The following is an entry in ClinVar:

ClinVar aggregate classification (germline): Likely pathogenic (1 of 4 stars; one submission).

Conditions:
Neurodevelopmental disorder with language impairment, autism, and attention deficit-hyperactivity disorder. Identifiers: MedGen C5935603, MONDO:0968945, OMIM 620782.

Submission:

Variantyx, Inc.
Classification: Likely pathogenic for Neurodevelopmental disorder with language impairment, autism, and attention deficit-hyperactivity disorder. Last evaluated: 2026-01-02. Review status: criteria provided, single submitter. Criteria: Variantyx Assertion Criteria 2022. Collection method: clinical testing. Allele origin: germline. Inheritance: Autosomal dominant inheritance. Affected: yes.
Comment: This is a nonsense variant in the CAPRIN1 gene (OMIM: 601178). Pathogenic variants in this gene have been associated with autosomal dominant neurodevelopmental disorder with language impairment, autism, and attention deficit-hyperactivity disorder. This variant introduces a premature termination codon in exon 14 out of 19 and is expected to result in loss of function, which is a known disease mechanism for CAPRIN1 in this disorder (PMID: 35979925) (PVS1). This variant is absent from control populations (PM2). Inheritance from an unaffected or mildly affected parent has been reported in the CAPRIN1 gene, consistent with incomplete penetrance and/or variable expressivity (PMID: 35979925). Based on the current evidence, this variant is classified as likely pathogenic for autosomal dominant neurodevelopmental disorder with language impairment, autism, and attention deficit-hyperactivity disorder.

Literature cited by the submitters: PubMed 35979925.

NM_005898.5(CAPRIN1):c.1445C>G (p.Ser482Ter)

Gene: CAPRIN1 (cell cycle associated protein 1; plus strand). Cytogenetic location: 11p13.
Variant type: single nucleotide variant.
Coding change: c.1445C>G on transcript NM_005898.5 (MANE Select); coding-DNA position 1445, C replaced by G.
Protein change: p.Ser482Ter; replaces serine 482 with a stop codon.
Molecular consequence: nonsense.
Genome position (GRCh38, 1-based): chr11:34,090,569, C>G. VCF-style: chr11-34090569-C-G. GRCh37 (hg19) VCF-style: chr11-34112116-C-G.
Other names: c.1445C>G, p.Ser482Ter (NM_203364.3); short protein forms S482*.
Identifiers: ClinVar variation 4850122 (VCV004850122.1).